The following is an entry in ClinVar:

NM_001943.5(DSG2):c.383C>T (p.Thr128Ile)

Gene: DSG2 (desmoglein 2; plus strand). Cytogenetic location: 18q12.1.
Variant type: single nucleotide variant.
Coding change: c.383C>T on transcript NM_001943.5 (MANE Select); coding-DNA position 383, C replaced by T.
Protein change: p.Thr128Ile; replaces threonine 128 with isoleucine.
Molecular consequence: missense variant.
Genome position (GRCh38, 1-based): chr18:31,521,103, C>T. VCF-style: chr18-31521103-C-T. GRCh37 (hg19) VCF-style: chr18-29101066-C-T.
Other names: short protein forms T128I.
Identifiers: ClinVar variation 2447014 (VCV002447014.3), dbSNP rs764530260, ClinGen allele CA022077.
Genomic context (GRCh38, chr18:31,521,103, plus strand): 5'-TATGGTAATTTAGTTTTCTTAGCTTAAATCTAATCTTATTTATGTCATGATTTCAGCTAA[C>T]AGGTTACGCTTTGGATGCAAGAGGAAACAATGTAGAGAAACCCTTAGAGCTACGCATTAA-3'
Protein context (NP_001934.2, residues 118-138): DREETPFFLL[Thr128Ile]GYALDARGNN

ClinVar aggregate classification (germline): Uncertain significance. Review status: criteria provided, multiple submitters, no conflicts (2 of 4 stars). 3 submissions from 3 submitters: Uncertain significance (3). Last evaluated 2026-01-24.

Conditions:
Arrhythmogenic right ventricular dysplasia 10. Also called: Arrhythmogenic Right Ventricular Dysplasia/Cardiomyopathy10; ARRHYTHMOGENIC RIGHT VENTRICULAR DYSPLASIA, FAMILIAL, 10; Arrhythmogenic right ventricular dysplasia/cardiomyopathy, type 10. Identifiers: MedGen C1857777, MONDO:0012434, OMIM 610193.
Cardiomyopathy (CMYO). Also called: Cardiomyopathies. Identifiers: Orphanet 167848, MedGen C0878544, MONDO:0004994, HP:0001638. Inheritance: Various modes of inheritance.
Cardiovascular phenotype. Identifiers: MedGen CN230736.

Allele frequency attached by ClinVar (database versions not stated): gnomAD exomes 0.00001; TOPMed below 0.00001; ExAC 0.00001.
gnomAD v4.1: 16 of 1,613,922 alleles (0.00099%); highest among the groups gnomAD compares: Non-Finnish European, 0.0013%; no homozygotes.

Submissions (3):

Labcorp Genetics (formerly Invitae), Labcorp
Classification: Uncertain significance for Arrhythmogenic right ventricular dysplasia 10. Last evaluated: 2026-01-24. Review status: criteria provided, single submitter. Criteria: Invitae Variant Classification Sherloc (09022015). Collection method: clinical testing. Allele origin: germline.
Comment: This sequence change replaces threonine, which is neutral and polar, with isoleucine, which is neutral and non-polar, at codon 128 of the DSG2 protein (p.Thr128Ile). This variant is present in population databases (rs764530260, gnomAD 0.0009%). This variant has not been reported in the literature in individuals affected with DSG2-related conditions. ClinVar contains an entry for this variant (Variation ID: 2447014). Invitae Evidence Modeling of protein sequence and biophysical properties (such as structural, functional, and spatial information, amino acid conservation, physicochemical variation, residue mobility, and thermodynamic stability) indicates that this missense variant is not expected to disrupt DSG2 protein function with a negative predictive value of 95%. In summary, the available evidence is currently insufficient to determine the role of this variant in disease. Therefore, it has been classified as a Variant of Uncertain Significance.

Color Diagnostics, LLC DBA Color Health
Classification: Uncertain significance for Cardiomyopathy. Last evaluated: 2025-06-09. Review status: criteria provided, single submitter. Criteria: ACMG Guidelines, 2015. Collection method: clinical testing. Allele origin: germline.
Comment: This missense variant replaces threonine with isoleucine at codon 128 of the DSG2 protein. Computational prediction suggests that this variant may not impact protein structure and function. To our knowledge, functional studies have not been reported for this variant. This variant has not been reported in individuals affected with DSG2-related disorders in the literature. This variant has been identified in 1/249180 chromosomes in the general population by the Genome Aggregation Database (gnomAD). The available evidence is insufficient to determine the role of this variant in disease conclusively. Therefore, this variant is classified as a Variant of Uncertain Significance.

Ambry Genetics
Classification: Uncertain significance for Cardiovascular phenotype. Last evaluated: 2022-12-14. Review status: criteria provided, single submitter. Criteria: Ambry Variant Classification Scheme 2023. Collection method: clinical testing. Allele origin: germline.
Comment: The p.T128I variant (also known as c.383C>T), located in coding exon 5 of the DSG2 gene, results from a C to T substitution at nucleotide position 383. The threonine at codon 128 is replaced by isoleucine, an amino acid with similar properties. This amino acid position is conserved. In addition, this alteration is predicted to be tolerated by in silico analysis. Since supporting evidence is limited at this time, the clinical significance of this alteration remains unclear.